The following is an entry in ClinVar:

NM_014171.6(CRIPT):c.8G>A (p.Cys3Tyr)

Gene: CRIPT (CXXC repeat containing interactor of PDZ3 domain; plus strand). Cytogenetic location: 2p21.
Variant type: single nucleotide variant.
Coding change: c.8G>A on transcript NM_014171.6 (MANE Select); coding-DNA position 8, G replaced by A.
Protein change: p.Cys3Tyr; replaces cysteine 3 with tyrosine.
Molecular consequence: missense variant.
Genome position (GRCh38, 1-based): chr2:46,617,290, G>A. VCF-style: chr2-46617290-G-A. GRCh37 (hg19) VCF-style: chr2-46844429-G-A.
Other names: CRIPT, CYS3TYR (rs757078301); short protein forms C3Y.
Identifiers: ClinVar variation 221618 (VCV000221618.4), dbSNP rs757078301, ClinGen allele CA1646243.

ClinVar aggregate classification (germline): Likely pathogenic. Review status: criteria provided, single submitter (1 of 4 stars). 2 submissions from 2 submitters: Likely pathogenic (1). 1 of the submissions does not count toward it. Last evaluated 2015-12-23.

Conditions:
Rothmund-Thomson syndrome type 3. Also called: Short stature with microcephaly and distinctive facies. Identifiers: MedGen C4014339, MONDO:0014347, OMIM 615789.

Allele frequency attached by ClinVar (database versions not stated): ExAC below 0.00001; gnomAD exomes below 0.00001; gnomAD 0.00001; TOPMed 0.00001.
gnomAD v4.1: 2 of 1,555,178 alleles (0.00013%); highest among the groups gnomAD compares: African/African-American, 0.0027%; no homozygotes.

Submissions (2):

Baylor Genetics
Classification: Likely pathogenic for Rothmund-Thomson syndrome type 3. Last evaluated: 2015-12-23. Review status: criteria provided, single submitter. Criteria: Submitter's publication. Collection method: clinical testing. Allele origin: maternal. Inheritance: Autosomal recessive inheritance. Affected: yes. Observed: 1 variant allele, 1 compound heterozygote. Study: Clinical whole exome sequencing.

OMIM
Classification: Pathogenic for ROTHMUND-THOMSON SYNDROME, TYPE 3. Last evaluated: 2024-04-29. Review status: no assertion criteria provided. Collection method: literature only. Allele origin: germline. Not counted in ClinVar's aggregate classification.

Literature cited by the submitters: PubMed 27250922 (cited by OMIM).